The following is an entry in ClinVar:

NM_001367721.1(CASK):c.1828C>A (p.Pro610Thr)

Gene: CASK (calcium/calmodulin dependent serine protein kinase; minus strand). Cytogenetic location: Xp11.4.
Variant type: single nucleotide variant.
Coding change: c.1828C>A on transcript NM_001367721.1 (MANE Select); coding-DNA position 1828, C replaced by A.
Protein change: p.Pro610Thr; replaces proline 610 with threonine.
Molecular consequence: missense variant.
Genome position (GRCh38, 1-based): chrX:41,555,614, G>T on the plus strand (C>A on the coding strand, the complement: CASK is on the minus strand). VCF-style: chrX-41555614-G-T. GRCh37 (hg19) VCF-style: chrX-41414867-G-T.
Other names: c.1828C>A, p.Pro610Thr (NM_003688.4); c.1759C>A, p.Pro587Thr (NM_001126054.3); c.1741C>A, p.Pro581Thr (NM_001126055.3); c.1810C>A, p.Pro604Thr (NM_001410745.1); short protein forms P604T, P581T, P587T, P610T.
Identifiers: ClinVar variation 1780878 (VCV001780878.9), dbSNP rs2065150683, ClinGen allele CA412993651.

ClinVar aggregate classification (germline): Uncertain significance. Review status: criteria provided, multiple submitters, no conflicts (2 of 4 stars). 3 submissions from 3 submitters: Uncertain significance (3). Last evaluated 2026-05-27.

Conditions:
Inborn genetic diseases. Identifiers: MedGen C0950123, MeSH D030342.
Intellectual disability, CASK-related, X-linked. Identifiers: MedGen CN043158.

Allele frequency attached by ClinVar (database versions not stated): gnomAD 0.00001.
gnomAD v4.1: 4 of 1,202,610 alleles (0.00033%); highest among the groups gnomAD compares: Non-Finnish European, 0.00045%; no homozygotes.

Submissions (3):

Ambry Genetics
Classification: Uncertain significance for Inborn genetic diseases. Last evaluated: 2026-05-27. Review status: criteria provided, single submitter. Criteria: Ambry Variant Classification Scheme 2023. Collection method: clinical testing. Allele origin: germline.

Labcorp Genetics (formerly Invitae), Labcorp
Classification: Uncertain significance for Intellectual disability, CASK-related, X-linked. Last evaluated: 2025-07-06. Review status: criteria provided, single submitter. Criteria: Invitae Variant Classification Sherloc (09022015). Collection method: clinical testing. Allele origin: germline.
Comment: This sequence change replaces proline, which is neutral and non-polar, with threonine, which is neutral and polar, at codon 610 of the CASK protein (p.Pro610Thr). This variant is not present in population databases (gnomAD no frequency). This variant has not been reported in the literature in individuals affected with CASK-related conditions. ClinVar contains an entry for this variant (Variation ID: 1780878). Invitae Evidence Modeling of protein sequence and biophysical properties (such as structural, functional, and spatial information, amino acid conservation, physicochemical variation, residue mobility, and thermodynamic stability) indicates that this missense variant is not expected to disrupt CASK protein function with a negative predictive value of 80%. In summary, the available evidence is currently insufficient to determine the role of this variant in disease. Therefore, it has been classified as a Variant of Uncertain Significance.

Revvity Omics, Revvity
Classification: Uncertain significance. Last evaluated: 2021-04-09. Review status: criteria provided, single submitter. Criteria: ACMG Guidelines, 2015. Collection method: clinical testing. Allele origin: germline.